The following is an entry in ClinVar:

ClinVar aggregate classification (germline): Uncertain significance (1 of 4 stars; one submission).

Conditions:
Benign neonatal seizures. Also called: Benign familial neonatal seizures; Benign neonatal familial convulsions; Convulsions benign familial neonatal dominant form; Autosomal dominant form of benign neonatal seizures; Benign familial neonatal epilepsy. Identifiers: Orphanet 1949, MedGen C0220669, MONDO:0016027.

gnomAD v4.1: 9 of 1,614,178 alleles (0.00056%); highest among the groups gnomAD compares: South Asian, 0.0044%; no homozygotes.

Submission:

Labcorp Genetics (formerly Invitae), Labcorp
Classification: Uncertain significance for Benign neonatal seizures. Last evaluated: 2021-01-13. Review status: criteria provided, single submitter. Criteria: Invitae Variant Classification Sherloc (09022015). Collection method: clinical testing. Allele origin: germline.
Comment: This sequence change replaces methionine with valine at codon 478 of the KCNQ3 protein (p.Met478Val). The methionine residue is moderately conserved and there is a small physicochemical difference between methionine and valine. In summary, the available evidence is currently insufficient to determine the role of this variant in disease. Therefore, it has been classified as a Variant of Uncertain Significance. Algorithms developed to predict the effect of missense changes on protein structure and function are either unavailable or do not agree on the potential impact of this missense change (SIFT: "Tolerated"; PolyPhen-2: "Possibly Damaging"; Align-GVGD: "Class C0"). This variant has not been reported in the literature in individuals with KCNQ3-related conditions. This variant is present in population databases (rs763476056, ExAC 0.006%).

NM_004519.4(KCNQ3):c.1432A>G (p.Met478Val)

Gene: KCNQ3 (potassium voltage-gated channel subfamily Q member 3; minus strand). Cytogenetic location: 8q24.22.
Variant type: single nucleotide variant.
Coding change: c.1432A>G on transcript NM_004519.4 (MANE Select); coding-DNA position 1432, A replaced by G.
Protein change: p.Met478Val; replaces methionine 478 with valine.
Molecular consequence: missense variant.
Genome position (GRCh38, 1-based): chr8:132,141,162, T>C on the plus strand (A>G on the coding strand, the complement: KCNQ3 is on the minus strand). VCF-style: chr8-132141162-T-C. GRCh37 (hg19) VCF-style: chr8-133153409-T-C.
Other names: c.1072A>G, p.Met358Val (NM_001204824.2); short protein forms M478V, M358V.
Identifiers: ClinVar variation 1413584 (VCV001413584.8), dbSNP rs763476056, ClinGen allele CA4880705.
Genomic context (GRCh38, chr8:132,141,162, plus strand): 5'-ACAGGGAGGGAGATAAAAAGGCATTACCTTCAGAACTCTGCCAGAAAGCGTAGGCTTTCA[T>C]GCGGAAGGCCGTGCGGAAACGCTCTTTATTGTTTAAGCCAACAGGCTTTGGTTCTTTAGA-3'
Protein context (NP_004510.1, residues 468-488): NKERFRTAFR[Met478Val]KAYAFWQSSE